The following is an entry in ClinVar:

ClinVar aggregate classification (germline): Likely benign. Review status: criteria provided, multiple submitters, no conflicts (2 of 4 stars). 5 submissions from 5 submitters: Likely benign (5). Last evaluated 2025-12-19.

Conditions:
Early-infantile DEE. Also called: Early infantile epileptic encephalopathy; Ohtahara syndrome; Early infantile epileptic encephalopathy with suppression bursts. Identifiers: Orphanet 1934, MedGen C0393706, MONDO:0800491.
Inborn genetic diseases. Identifiers: MedGen C0950123, MeSH D030342.

Allele frequency attached by ClinVar (database versions not stated): TOPMed 0.00006; gnomAD 0.00008 and 0.00009; gnomAD exomes 0.00009 and 0.00012; ExAC 0.00012.
gnomAD v4.1: 143 of 1,613,928 alleles (0.0089%); highest among the groups gnomAD compares: South Asian, 0.045%; 1 homozygote.

Submissions (5):

Labcorp Genetics (formerly Invitae), Labcorp
Classification: Likely benign for Early-infantile DEE. Last evaluated: 2025-12-19. Review status: criteria provided, single submitter. Criteria: Invitae Variant Classification Sherloc (09022015). Collection method: clinical testing. Allele origin: germline.

Blueprint Genetics
Classification: Likely benign. Last evaluated: 2024-07-02. Review status: criteria provided, single submitter. Criteria: ACMG Guidelines, 2015. Collection method: clinical testing. Allele origin: germline.

CeGaT Center for Human Genetics Tuebingen
Classification: Likely benign. Last evaluated: 2024-07-01. Review status: criteria provided, single submitter. Criteria: CeGaT Center For Human Genetics Tuebingen Variant Classification Criteria Version 2. Collection method: clinical testing. Allele origin: germline. Affected: yes. Observed: 2 variant alleles.
Comment: SPTAN1: PP2, BS2

GeneDx
Classification: Likely benign. Last evaluated: 2017-10-31. Review status: criteria provided, single submitter. Criteria: GeneDx Variant Classification (06012015). Collection method: clinical testing. Allele origin: germline. Affected: yes.
Comment: This variant is considered likely benign or benign based on one or more of the following criteria: it is a conservative change, it occurs at a poorly conserved position in the protein, it is predicted to be benign by multiple in silico algorithms, and/or has population frequency not consistent with disease.

Ambry Genetics
Classification: Likely benign for Inborn genetic diseases. Last evaluated: 2017-06-30. Review status: criteria provided, single submitter. Criteria: Ambry Variant Classification Scheme 2023. Collection method: clinical testing. Allele origin: germline.

NM_001130438.3(SPTAN1):c.7360G>A (p.Val2454Met)

Gene: SPTAN1 (spectrin alpha, non-erythrocytic 1; plus strand). Cytogenetic location: 9q34.11.
Variant type: single nucleotide variant.
Coding change: c.7360G>A on transcript NM_001130438.3 (MANE Select); coding-DNA position 7360, G replaced by A.
Protein change: p.Val2454Met; replaces valine 2454 with methionine.
Molecular consequence: missense variant.
Genome position (GRCh38, 1-based): chr9:128,633,260, G>A. VCF-style: chr9-128633260-G-A. GRCh37 (hg19) VCF-style: chr9-131395539-G-A.
Other names: c.7285G>A, p.Val2429Met (NM_001195532.2); c.7423G>A, p.Val2475Met (NM_001363759.2); c.7300G>A, p.Val2434Met (NM_001363765.2); c.7345G>A, p.Val2449Met (NM_003127.4); short protein forms V2454M, V2434M, V2429M, V2449M, V2475M.
Identifiers: ClinVar variation 461239 (VCV000461239.39), dbSNP rs766616293, ClinGen allele CA5266091.